The following is an entry in ClinVar:

ClinVar aggregate classification (germline): Conflicting classifications of pathogenicity. Review status: criteria provided, conflicting classifications (1 of 4 stars). 8 submissions from 8 submitters: Uncertain significance (3); Likely benign (1). 4 of the submissions do not count toward it. Last evaluated 2025-10-14.

Conditions:
Hereditary cancer-predisposing syndrome. Also called: Hereditary Cancer Syndrome; Hereditary neoplastic syndrome; Neoplastic Syndromes, Hereditary; Tumor predisposition. Identifiers: Orphanet 140162, MedGen C0027672, MeSH D009386, MONDO:0015356.
Breast-ovarian cancer, familial, susceptibility to, 1 (BROVCA1). Also called: BRCA1 Hereditary Breast and Ovarian Cancer; OVARIAN CANCER, SUSCEPTIBILITY TO. Identifiers: Orphanet 145, MedGen C2676676, MONDO:0011450, OMIM 604370. Disease mechanism: loss of function.
Hereditary breast ovarian cancer syndrome. Also called: BRCA1- and BRCA2-Associated Hereditary Breast and Ovarian Cancer; Hereditary breast and ovarian cancer syndrome; Hereditary breast and ovarian cancer syndrome (HBOC); Breast and ovarian cancer; Hereditary breast and/or ovarian cancer syndrome; Hereditary breast and ovarian cancer. Identifiers: Orphanet 145, MedGen C0677776, MeSH D061325, MONDO:0003582. Disease mechanism: loss of function.

Allele frequency attached by ClinVar (database versions not stated): gnomAD exomes below 0.00001; ESP Exome Variant Server 0.00008; TOPMed below 0.00001; ExAC 0.00002.
gnomAD v4.1: 6 of 1,614,204 alleles (0.00037%); highest among the groups gnomAD compares: Non-Finnish European, 0.00051%; no homozygotes.

Submissions (8):

Labcorp Genetics (formerly Invitae), Labcorp
Classification: Uncertain significance for Hereditary breast ovarian cancer syndrome. Last evaluated: 2025-10-14. Review status: criteria provided, single submitter. Criteria: Invitae Variant Classification Sherloc (09022015). Collection method: clinical testing. Allele origin: germline.
Comment: This sequence change replaces alanine, which is neutral and non-polar, with valine, which is neutral and non-polar, at codon 1293 of the BRCA1 protein (p.Ala1293Val). This variant is present in population databases (rs80357213, gnomAD 0.002%). This missense change has been observed in individual(s) with clinical features of BRCA1-related conditions (PMID: 30254663). ClinVar contains an entry for this variant (Variation ID: 55036). Invitae Evidence Modeling of protein sequence and biophysical properties (such as structural, functional, and spatial information, amino acid conservation, physicochemical variation, residue mobility, and thermodynamic stability) indicates that this missense variant is not expected to disrupt BRCA1 protein function with a negative predictive value of 80%. In summary, the available evidence is currently insufficient to determine the role of this variant in disease. Therefore, it has been classified as a Variant of Uncertain Significance.

Ambry Genetics
Classification: Uncertain significance for Hereditary cancer-predisposing syndrome. Last evaluated: 2025-08-07. Review status: criteria provided, single submitter. Criteria: Ambry Variant Classification Scheme 2023. Collection method: clinical testing. Allele origin: germline.
Comment: The p.A1293V variant (also known as c.3878C>T and 3997C>T), located in coding exon 9 of the BRCA1 gene, results from a C to T substitution at nucleotide position 3878. The alanine at codon 1293 is replaced by valine, an amino acid with similar properties. This alteration was identified in an individual from a hereditary breast and/or ovarian cancer cohort (Zuntini R et al. Front Genet 2018 Sep;9:378). This amino acid position is poorly conserved in available vertebrate species. In addition, this alteration is predicted to be tolerated by in silico analysis. Since supporting evidence is limited at this time, the clinical significance of this alteration remains unclear.

Women's Health and Genetics/Laboratory Corporation of America, LabCorp
Classification: Uncertain significance. Last evaluated: 2024-10-07. Review status: criteria provided, single submitter. Criteria: LabCorp Variant Classification Summary - May 2015. Collection method: clinical testing. Allele origin: germline.
Comment: Variant summary: BRCA1 c.3878C>T (p.Ala1293Val) results in a non-conservative amino acid change in the encoded protein sequence. Four of five in-silico tools predict a benign effect of the variant on protein function. The variant was absent in 251152 control chromosomes. The available data on variant occurrences in the general population are insufficient to allow any conclusion about variant significance. c.3878C>T has been reported in the literature in the presumed heterozygous state in at least 1 family affected with Hereditary Breast And Ovarian Cancer Syndrome without evidence of co-segregation with disease (example, Zuntini_2018). These report(s) do not provide unequivocal conclusions about association of the variant with Hereditary Breast And Ovarian Cancer Syndrome. To our knowledge, no experimental evidence demonstrating an impact on protein function has been reported. The following publication has been ascertained in the context of this evaluation (PMID: 30254663). ClinVar contains an entry for this variant (Variation ID: 55036). Based on the evidence outlined above, the variant was classified as uncertain significance.

University of Washington Department of Laboratory Medicine, University of Washington
Classification: Likely benign for Hereditary cancer-predisposing syndrome. Last evaluated: 2023-03-23. Review status: criteria provided, single submitter. Criteria: Dines et al. (Genet Med. 2020). Collection method: curation. Allele origin: germline.
Comment: Missense variant in a coldspot region where missense variants are very unlikely to be pathogenic (PMID:31911673).

BRCA1 coldspot (exon 11 using historical exon numbering). Reclassification based on statistical prior probability

Department of Medical and Surgical Sciences, University of Bologna
Classification: Uncertain significance for Breast-ovarian cancer, familial, susceptibility to, 1. Last evaluated: 2023-09-01. Review status: no assertion criteria provided. Collection method: clinical testing. Allele origin: germline. Affected: yes. Not counted in ClinVar's aggregate classification.
Comment: PM2(Supporting)+PP4(Moderate)+BP1(Strong) according to ACMG/AMP classification guidelines specified for BRCA1 & BRCA2 (Classification Criteria V1.0.0 2023-09-08) (PMID: 38160042)

Sharing Clinical Reports Project (SCRP)
Classification: Uncertain significance for Breast-ovarian cancer, familial 1. Last evaluated: 2009-08-19. Review status: no assertion criteria provided. Collection method: clinical testing. Allele origin: germline. Not counted in ClinVar's aggregate classification.

Breast Cancer Information Core (BIC) (BRCA1)
Classification: Uncertain significance for Breast-ovarian cancer, familial 1. Last evaluated: 2002-05-29. Review status: no assertion criteria provided. Collection method: clinical testing. Allele origin: germline. Affected: yes. Observed: 1 variant allele. Not counted in ClinVar's aggregate classification.

Department of Pathology and Laboratory Medicine, Sinai Health System
Classification: Uncertain significance. Review status: no assertion criteria provided. Collection method: clinical testing. Allele origin: unknown. Affected: yes. Observed: 1 variant allele. Study: The Canadian Open Genetics Repository (COGR). Not counted in ClinVar's aggregate classification.

Literature cited by the submitters: PubMed 30254663 (cited by Labcorp Genetics (formerly Invitae), Labcorp and Women's Health and Genetics/Laboratory Corporation of America, LabCorp).

NM_007294.4(BRCA1):c.3878C>T (p.Ala1293Val)

Genes: BRCA1 (BRCA1 DNA repair associated; minus strand), LOC126862571 (BRD4-independent group 4 enhancer GRCh37_chr17:41243136-41244335; plus strand). Cytogenetic location: 17q21.31.
Variant type: single nucleotide variant.
Coding change: c.3878C>T on transcript NM_007294.4 (MANE Select); coding-DNA position 3878, C replaced by T.
Protein change: p.Ala1293Val; replaces alanine 1293 with valine.
Molecular consequence: missense variant. On other transcripts: intron variant (135).
Genome position (GRCh38, 1-based): chr17:43,091,653, G>A on the plus strand (C>T on the coding strand, the complement: BRCA1 is on the minus strand). VCF-style: chr17-43091653-G-A. GRCh37 (hg19) VCF-style: chr17-41243670-G-A.
Other names: 3997C>T; c.3737C>T, p.Ala1246Val (NM_001407728.1, NM_001407729.1, NM_001407730.1 and 29 more transcripts); c.3734C>T, p.Ala1245Val (NM_001407740.1, NM_001407741.1, NM_001407742.1 and 20 more transcripts); c.3665C>T, p.Ala1222Val (NM_001407853.1, NM_001407894.1, NM_001407895.1 and 9 more transcripts); c.3878C>T, p.Ala1293Val (NM_001407854.1, NM_001407858.1, NM_001407859.1 and 30 more transcripts); c.3875C>T, p.Ala1292Val (NM_001407860.1, NM_001407861.1, NM_001407587.1 and 22 more transcripts); c.3677C>T, p.Ala1226Val (NM_001407862.1); c.3755C>T, p.Ala1252Val (NM_001407863.1, NM_001407919.1, NM_001407937.1 and 19 more transcripts); and 42 more; short protein forms A1293V, A1246V, A1165V, A1222V, A1223V, A1226V, A1290V, A997V.
Identifiers: ClinVar variation 55036 (VCV000055036.21), dbSNP rs80357213, ClinGen allele CA002501.